The following is an entry in ClinVar:

ClinVar aggregate classification (germline): Uncertain significance. Review status: criteria provided, multiple submitters, no conflicts (2 of 4 stars). 2 submissions from 2 submitters: Uncertain significance (2). Last evaluated 2025-10-01.

Conditions:
Hereditary cancer-predisposing syndrome. Also called: Tumor predisposition; Hereditary neoplastic syndrome; Hereditary Cancer Syndrome; Neoplastic Syndromes, Hereditary. Identifiers: Orphanet 140162, MedGen C0027672, MeSH D009386, MONDO:0015356.
Bloom syndrome (BLM). Also called: Bloom-Torre-Machacek syndrome. Identifiers: Orphanet 125, MedGen C0005859, MONDO:0008876, OMIM 210900.

Submissions (2):

Labcorp Genetics (formerly Invitae), Labcorp
Classification: Uncertain significance for Bloom syndrome. Last evaluated: 2025-10-01. Review status: criteria provided, single submitter. Criteria: Invitae Variant Classification Sherloc (09022015). Collection method: clinical testing. Allele origin: germline.
Comment: This variant, c.939_941del, results in the deletion of 1 amino acid(s) of the BLM protein (p.Ser316del), but otherwise preserves the integrity of the reading frame. This variant is not present in population databases (gnomAD no frequency). This variant has not been reported in the literature in individuals affected with BLM-related conditions. ClinVar contains an entry for this variant (Variation ID: 576629). Experimental studies and prediction algorithms are not available or were not evaluated, and the functional significance of this variant is currently unknown. In summary, the available evidence is currently insufficient to determine the role of this variant in disease. Therefore, it has been classified as a Variant of Uncertain Significance.

Ambry Genetics
Classification: Uncertain significance for Hereditary cancer-predisposing syndrome. Last evaluated: 2023-12-11. Review status: criteria provided, single submitter. Criteria: Ambry Variant Classification Scheme 2023. Collection method: clinical testing. Allele origin: germline.
Comment: The c.939_941delTTC variant (also known as p.S316del) is located in coding exon 3 of the BLM gene. This variant results from an in-frame TTC deletion at nucleotide positions 939 to 941. This results in the in-frame deletion of a serine at codon 316. This amino acid position is poorly conserved in available vertebrate species. In addition, this alteration is predicted to be neutral by in silico analysis (Choi Y et al. PLoS ONE. 2012; 7(10):e46688). Since supporting evidence is limited at this time, the clinical significance of this alteration remains unclear.

NM_000057.4(BLM):c.933TTC[2] (p.Ser316del)

Gene: BLM (BLM RecQ like helicase; plus strand). Cytogenetic location: 15q26.1.
Variant type: Microsatellite.
Coding change: c.933TTC[2] on transcript NM_000057.4 (MANE Select); two copies in a row of the 3-base unit TTC starting at c.933; the reference has three copies in a row; one copy, 3 bases deleted; also written c.939_941del.
Protein change: p.Ser316del; deletes serine 316.
Molecular consequence: inframe deletion. On other transcripts: 5 prime UTR variant (1).
Genome position (GRCh38, 1-based): chr15:90,751,926-90,751,928, TTC deleted; deleting any 3 consecutive bases within chr15:90,751,919-90,751,928 gives the same sequence; the position shown is the placement nearest the transcript's 3' end. VCF-style (leftmost placement, unchanged base first): chr15-90751918-GCTT-G. GRCh37 (hg19) VCF-style: chr15-91295148-GCTT-G.
Other names: c.939_941del (NM_000057.3); c.933TTC[2], p.Ser316del (NM_001287246.2, NM_001287247.2); c.-359TTC[2] (NM_001287248.2); short protein forms S316del.
Identifiers: ClinVar variation 576629 (VCV000576629.15), dbSNP rs564966225, ClinGen allele CA274729919.
Genomic context (GRCh38, chr15:90,751,918, plus strand): 5'-TTTGATGATGATGATTATGATACGGATTTTGTTCCACCTTCTCCAGAAGAAATTATTTCT[GCTT>G]CTTCTTCCTCTTCAAAATGCCTTAGGTAAACTAGCTAAATAATTAGCATTATTATTTGTT-3'